The following is an entry in ClinVar:

ClinVar aggregate classification (germline): Uncertain significance (1 of 4 stars; one submission).

Conditions:
Capillary malformation-arteriovenous malformation syndrome. Also called: Capillary malformation-arteriovenous malformation. Identifiers: Orphanet 137667, MedGen C1842180, MONDO:0012016.

Allele frequency attached by ClinVar (database versions not stated): ExAC 0.00001; gnomAD exomes 0.00001.
gnomAD v4.1: 2 of 1,612,814 alleles (0.00012%); highest among the groups gnomAD compares: Non-Finnish European, 0.00017%; no homozygotes.

Submission:

Labcorp Genetics (formerly Invitae), Labcorp
Classification: Uncertain significance for Capillary malformation-arteriovenous malformation syndrome. Last evaluated: 2023-08-04. Review status: criteria provided, single submitter. Criteria: Invitae Variant Classification Sherloc (09022015). Collection method: clinical testing. Allele origin: germline.
Comment: This variant is present in population databases (rs771835302, gnomAD 0.002%). This sequence change replaces lysine, which is basic and polar, with asparagine, which is neutral and polar, at codon 858 of the RASA1 protein (p.Lys858Asn). This variant has not been reported in the literature in individuals affected with RASA1-related conditions. ClinVar contains an entry for this variant (Variation ID: 1047191). An algorithm developed to predict the effect of missense changes on protein structure and function (PolyPhen-2) suggests that this variant is likely to be tolerated. In summary, the available evidence is currently insufficient to determine the role of this variant in disease. Therefore, it has been classified as a Variant of Uncertain Significance.

NM_002890.3(RASA1):c.2574A>T (p.Lys858Asn)

Genes: CCNH (cyclin H; minus strand), RASA1 (RAS p21 protein activator 1; plus strand). Cytogenetic location: 5q14.3.
Variant type: single nucleotide variant.
Coding change: c.2574A>T on transcript NM_002890.3 (MANE Select); coding-DNA position 2574, A replaced by T.
Protein change: p.Lys858Asn; replaces lysine 858 with asparagine.
Molecular consequence: missense variant. On other transcripts: intron variant (1).
Genome position (GRCh38, 1-based): chr5:87,379,821, A>T. VCF-style: chr5-87379821-A-T. GRCh37 (hg19) VCF-style: chr5-86675638-A-T.
Other names: c.2043A>T, p.Lys681Asn (NM_022650.3); c.933+15223T>A (NM_001364075.2); short protein forms K858N, K681N.
Identifiers: ClinVar variation 1047191 (VCV001047191.47), dbSNP rs771835302, ClinGen allele CA3336023.
Genomic context (GRCh38, chr5:87,379,821, plus strand): 5'-TGAAGATGTGAACACTAATTTAACACACCTATTGAACATACTTTCAGAGCTTGTGGAGAA[A>T]ATATTCATGGCTTCAGAAATACTTCCACCGTAAGTGGTGAAATTTTCATTTGACAAGAAA-3'
Protein context (NP_002881.1, residues 848-868): LLNILSELVE[Lys858Asn]IFMASEILPP